The following is an entry in ClinVar:

ClinVar aggregate classification (germline): Likely pathogenic (1 of 4 stars; one submission).

Conditions:
Diffuse cerebral and cerebellar atrophy - intractable seizures - progressive microcephaly syndrome. Also called: Microcephaly, progressive, with seizures and cerebral and cerebellar atrophy. Identifiers: Orphanet 404437, MedGen C4014239, MONDO:0014335, OMIM 615760.

Submission:

Juno Genomics, Hangzhou Juno Genomics, Inc
Classification: Likely pathogenic for Diffuse cerebral and cerebellar atrophy - intractable seizures - progressive microcephaly syndrome. Review status: criteria provided, single submitter. Criteria: ACMG Guidelines, 2015. Collection method: clinical testing. Allele origin: germline.
Comment: Null variant in a gene where loss of function (LOF) is a known mechanism of disease.;Absent from controls (or at extremely low frequency if recessive) in Genome Aggregation Database.

NM_005051.3(QARS1):c.1593dup (p.Ile532fs)

Gene: QARS1 (glutaminyl-tRNA synthetase 1; minus strand). Cytogenetic location: 3p21.31.
Variant type: Duplication.
Coding change: c.1593dup on transcript NM_005051.3 (MANE Select); coding-DNA position 1593, one base duplicated (C; older notation c.1593dupC).
Protein change: p.Ile532fs; shifts the reading frame from isoleucine 532.
Molecular consequence: frameshift variant. On other transcripts: non-coding transcript variant (1).
Genome position (GRCh38, 1-based): chr3:49,099,365, G duplicated on the plus strand (C on the coding strand, the reverse complement: QARS1 is on the minus strand); the first of 2 consecutive G bases (chr3:49,099,365-49,099,366); duplicating either gives the same sequence. VCF-style (leftmost placement, unchanged base first): chr3-49099364-T-TG. GRCh37 (hg19) VCF-style: chr3-49136797-T-TG.
Other names: c.1560dup, p.Ile521fs (NM_001272073.2); short protein forms I532fs, I521fs.
Identifiers: ClinVar variation 5006643 (VCV005006643.2).